The following is an entry in ClinVar:

NM_004304.5(ALK):c.1757C>T (p.Ala586Val)

Gene: ALK (ALK receptor tyrosine kinase; minus strand). Cytogenetic location: 2p23.2.
Variant type: single nucleotide variant.
Coding change: c.1757C>T on transcript NM_004304.5 (MANE Select); coding-DNA position 1757, C replaced by T.
Protein change: p.Ala586Val; replaces alanine 586 with valine.
Molecular consequence: missense variant.
Genome position (GRCh38, 1-based): chr2:29,296,948, G>A on the plus strand (C>T on the coding strand, the complement: ALK is on the minus strand). VCF-style: chr2-29296948-G-A. GRCh37 (hg19) VCF-style: chr2-29519814-G-A.
Other names: short protein forms A586V.
Identifiers: ClinVar variation 570733 (VCV000570733.11), dbSNP rs1046338903, ClinGen allele CA44642925.

ClinVar aggregate classification (germline): Conflicting classifications of pathogenicity. Review status: criteria provided, conflicting classifications (1 of 4 stars). 3 submissions from 3 submitters: Uncertain significance (2); Likely benign (1). Last evaluated 2025-01-07.

Conditions:
Hereditary cancer-predisposing syndrome. Also called: Hereditary neoplastic syndrome; Neoplastic Syndromes, Hereditary; Hereditary Cancer Syndrome; Tumor predisposition. Identifiers: Orphanet 140162, MedGen C0027672, MeSH D009386, MONDO:0015356.
Neuroblastoma, susceptibility to, 3. Also called: ALK-Related Neuroblastic Tumor Susceptibility. Identifiers: Orphanet 635, MedGen C2751681, MONDO:0013083, OMIM 613014.

Allele frequency attached by ClinVar (database versions not stated): gnomAD exomes below 0.00001; TOPMed below 0.00001.
gnomAD v4.1: 1 of 1,614,190 alleles (0.000062%); highest among the groups gnomAD compares: Non-Finnish European, 0.000085%; no homozygotes.

Submissions (3):

Ambry Genetics
Classification: Likely benign for Hereditary cancer-predisposing syndrome. Last evaluated: 2025-01-07. Review status: criteria provided, single submitter. Criteria: Ambry Variant Classification Scheme 2023. Collection method: clinical testing. Allele origin: germline.

Labcorp Genetics (formerly Invitae), Labcorp
Classification: Uncertain significance for Neuroblastoma, susceptibility to, 3. Last evaluated: 2024-01-10. Review status: criteria provided, single submitter. Criteria: Invitae Variant Classification Sherloc (09022015). Collection method: clinical testing. Allele origin: germline.
Comment: This sequence change replaces alanine, which is neutral and non-polar, with valine, which is neutral and non-polar, at codon 586 of the ALK protein (p.Ala586Val). This variant is present in population databases (no rsID available, gnomAD 0.0009%). This variant has not been reported in the literature in individuals affected with ALK-related conditions. ClinVar contains an entry for this variant (Variation ID: 570733). An algorithm developed to predict the effect of missense changes on protein structure and function (PolyPhen-2) suggests that this variant is likely to be tolerated. In summary, the available evidence is currently insufficient to determine the role of this variant in disease. Therefore, it has been classified as a Variant of Uncertain Significance.

Baylor Genetics
Classification: Uncertain significance for Neuroblastoma, susceptibility to, 3. Last evaluated: 2023-07-08. Review status: criteria provided, single submitter. Criteria: ACMG Guidelines, 2015. Collection method: clinical testing. Allele origin: unknown.